The following is an entry in ClinVar:

NM_024734.4(CLMN):c.2550C>T (p.Pro850=)

Gene: CLMN (calmin; minus strand). Cytogenetic location: 14q32.13.
Variant type: single nucleotide variant.
Coding change: c.2550C>T on transcript NM_024734.4 (MANE Select); coding-DNA position 2550, C replaced by T.
Protein change: p.Pro850=; no amino-acid change (proline 850 retained).
Molecular consequence: synonymous variant.
Genome position (GRCh38, 1-based): chr14:95,196,656, G>A on the plus strand (C>T on the coding strand, the complement: CLMN is on the minus strand). VCF-style: chr14-95196656-G-A. GRCh37 (hg19) VCF-style: chr14-95662993-G-A.
Identifiers: ClinVar variation 3034972 (VCV003034972.2), dbSNP rs773234474, ClinGen allele CA7331932.

ClinVar aggregate classification (germline): Likely benign (0 of 4 stars; one submission).

Conditions:
CLMN-related disorder. Also called: CLMN-related condition.

Allele frequency attached by ClinVar (database versions not stated): ExAC 0.00001; gnomAD 0.00001; TOPMed 0.00001; gnomAD exomes 0.00002.
gnomAD v4.1: 30 of 1,613,364 alleles (0.0019%); highest among the groups gnomAD compares: Middle Eastern, 0.016%; no homozygotes.

Submission:

PreventionGenetics, part of Exact Sciences
Classification: Likely benign for CLMN-related condition. Last evaluated: 2019-07-30. Review status: no assertion criteria provided. Collection method: clinical testing. Allele origin: germline.
Comment: This variant is classified as likely benign based on ACMG/AMP sequence variant interpretation guidelines (Richards et al. 2015 PMID: 25741868, with internal and published modifications).